The following is an entry in ClinVar:

ClinVar aggregate classification (germline): Conflicting classifications of pathogenicity. Review status: criteria provided, conflicting classifications (1 of 4 stars). 2 submissions from 2 submitters: Uncertain significance (1); Likely benign (1). Last evaluated 2025-02-07.

Conditions:
Deficiency of transaldolase. Also called: EYAID SYNDROME. Identifiers: Orphanet 101028, MedGen C1291329, MONDO:0011624, OMIM 606003.
TALDO1-related disorder. Also called: TALDO1-related condition.

Allele frequency attached by ClinVar (database versions not stated): gnomAD 0.00001; gnomAD exomes 0.00001; TOPMed 0.00001.
gnomAD v4.1: 5 of 1,599,388 alleles (0.00031%); highest among the groups gnomAD compares: Middle Eastern, 0.05%; no homozygotes.

Submissions (2):

PreventionGenetics, part of Exact Sciences
Classification: Likely benign for TALDO1-related condition. Last evaluated: 2025-02-07. Review status: criteria provided, single submitter. Criteria: ACMG Guidelines, 2015. Collection method: clinical testing. Allele origin: germline.
Comment: This variant is classified as likely benign based on ACMG/AMP sequence variant interpretation guidelines (Richards et al. 2015 PMID: 25741868, with internal and published modifications).

Illumina Laboratory Services, Illumina
Classification: Uncertain significance for Deficiency of transaldolase. Last evaluated: 2018-01-12. Review status: criteria provided, single submitter. Criteria: ICSL Variant Classification Criteria 13 December 2019. Collection method: clinical testing. Allele origin: germline.

NM_006755.2(TALDO1):c.48C>T (p.Asp16=)

Gene: TALDO1 (transaldolase 1; plus strand). Cytogenetic location: 11p15.5.
Variant type: single nucleotide variant.
Coding change: c.48C>T on transcript NM_006755.2 (MANE Select); coding-DNA position 48, C replaced by T.
Protein change: p.Asp16=; no amino-acid change (aspartic acid 16 retained).
Molecular consequence: synonymous variant.
Genome position (GRCh38, 1-based): chr11:747,529, C>T. VCF-style: chr11-747529-C-T. GRCh37 (hg19) VCF-style: chr11-747529-C-T.
Identifiers: ClinVar variation 306087 (VCV000306087.6), dbSNP rs886048658, ClinGen allele CA10640171.